The following is an entry in ClinVar:

ClinVar aggregate classification (germline): Conflicting classifications of pathogenicity. Review status: criteria provided, conflicting classifications (1 of 4 stars). 3 submissions from 3 submitters: Uncertain significance (2); Likely benign (1). Last evaluated 2026-01-06.

Conditions:
Hereditary cancer-predisposing syndrome. Also called: Neoplastic Syndromes, Hereditary; Hereditary neoplastic syndrome; Tumor predisposition; Hereditary Cancer Syndrome. Identifiers: Orphanet 140162, MedGen C0027672, MeSH D009386, MONDO:0015356.
Hereditary breast ovarian cancer syndrome. Also called: Hereditary breast and/or ovarian cancer syndrome; Hereditary breast and ovarian cancer syndrome; BRCA1- and BRCA2-Associated Hereditary Breast and Ovarian Cancer; Hereditary breast and ovarian cancer; Hereditary breast and ovarian cancer syndrome (HBOC); Breast and ovarian cancer. Identifiers: Orphanet 145, MedGen C0677776, MeSH D061325, MONDO:0003582. Disease mechanism: loss of function.

Submissions (3):

Ambry Genetics
Classification: Uncertain significance for Hereditary cancer-predisposing syndrome. Last evaluated: 2026-01-06. Review status: criteria provided, single submitter. Criteria: Ambry Variant Classification Scheme 2023. Collection method: clinical testing. Allele origin: germline.
Comment: The p.N243D variant (also known as c.727A>G), located in coding exon 9 of the BRCA1 gene, results from an A to G substitution at nucleotide position 727. The asparagine at codon 243 is replaced by aspartic acid, an amino acid with highly similar properties. This amino acid position is not well conserved in available vertebrate species. In addition, the in silico prediction for this alteration is inconclusive. Based on the available evidence, the clinical significance of this variant remains unclear.

University of Washington Department of Laboratory Medicine, University of Washington
Classification: Likely benign for Hereditary cancer-predisposing syndrome. Last evaluated: 2023-03-23. Review status: criteria provided, single submitter. Criteria: Dines et al. (Genet Med. 2020). Collection method: curation. Allele origin: germline.
Comment: Missense variant in a coldspot region where missense variants are very unlikely to be pathogenic (PMID:31911673).

BRCA1 coldspot (exon 11 using historical exon numbering). Reclassification based on statistical prior probability

Labcorp Genetics (formerly Invitae), Labcorp
Classification: Uncertain significance for Hereditary breast ovarian cancer syndrome. Last evaluated: 2022-04-19. Review status: criteria provided, single submitter. Criteria: Invitae Variant Classification Sherloc (09022015). Collection method: clinical testing. Allele origin: germline.
Comment: This sequence change replaces asparagine, which is neutral and polar, with aspartic acid, which is acidic and polar, at codon 243 of the BRCA1 protein (p.Asn243Asp). In summary, the available evidence is currently insufficient to determine the role of this variant in disease. Therefore, it has been classified as a Variant of Uncertain Significance. Advanced modeling of protein sequence and biophysical properties (such as structural, functional, and spatial information, amino acid conservation, physicochemical variation, residue mobility, and thermodynamic stability) performed at Invitae indicates that this missense variant is not expected to disrupt BRCA1 protein function. ClinVar contains an entry for this variant (Variation ID: 141938). This variant has not been reported in the literature in individuals affected with BRCA1-related conditions. This variant is not present in population databases (gnomAD no frequency).

NM_007294.4(BRCA1):c.727A>G (p.Asn243Asp)

Gene: BRCA1 (BRCA1 DNA repair associated; minus strand). Cytogenetic location: 17q21.31.
Variant type: single nucleotide variant.
Coding change: c.727A>G on transcript NM_007294.4 (MANE Select); coding-DNA position 727, A replaced by G.
Protein change: p.Asn243Asp; replaces asparagine 243 with aspartic acid.
Molecular consequence: missense variant. On other transcripts: non-coding transcript variant (1).
Genome position (GRCh38, 1-based): chr17:43,094,804, T>C on the plus strand (A>G on the coding strand, the complement: BRCA1 is on the minus strand). VCF-style: chr17-43094804-T-C. GRCh37 (hg19) VCF-style: chr17-41246821-T-C.
Other names: c.514A>G, p.Asn172Asp (NM_001407571.1, NM_001407853.1, NM_001407894.1 and 12 more transcripts); c.727A>G, p.Asn243Asp (NM_001407581.1, NM_001407582.1, NM_001407583.1 and 54 more transcripts); c.724A>G, p.Asn242Asp (NM_001407587.1, NM_001407590.1, NM_001407591.1 and 38 more transcripts); c.718A>G, p.Asn240Asp (NM_001407646.1, NM_001407647.1, NM_001408408.1); c.604A>G, p.Asn202Asp (NM_001407648.1, NM_001407664.1, NM_001407665.1 and 34 more transcripts); c.601A>G, p.Asn201Asp (NM_001407649.1, NM_001407670.1, NM_001407671.1 and 20 more transcripts); c.649A>G, p.Asn217Asp (NM_001407653.1, NM_001407654.1, NM_001407655.1 and 9 more transcripts); c.646A>G, p.Asn216Asp (NM_001407659.1, NM_001407660.1, NM_001407661.1 and 3 more transcripts); and 14 more; short protein forms N243D, N196D, N155D, N175D, N217D, N242D, N115D, N172D.
Identifiers: ClinVar variation 141938 (VCV000141938.12), dbSNP rs587782123, ClinGen allele CA003837.